The following is an entry in ClinVar:

NM_001134407.3(GRIN2A):c.2357-3704C>G

Gene: GRIN2A (glutamate ionotropic receptor NMDA type subunit 2A; minus strand). Cytogenetic location: 16p13.2.
Variant type: single nucleotide variant.
Coding change: c.2357-3704C>G on transcript NM_001134407.3 (MANE Select); 3704 bases into the intron before coding-DNA position 2357, C replaced by G.
Molecular consequence: intron variant.
Genome position (GRCh38, 1-based): chr16:9,772,793, G>C on the plus strand (C>G on the coding strand, the complement: GRIN2A is on the minus strand). VCF-style: chr16-9772793-G-C. GRCh37 (hg19) VCF-style: chr16-9866650-G-C.
Other names: c.2357-3704C>G (NM_001134408.2, NM_000833.5).
Identifiers: ClinVar variation 2576168 (VCV002576168.1), dbSNP rs2505987517, ClinGen allele CA2580613418.

ClinVar aggregate classification (germline): Uncertain significance (1 of 4 stars; one submission).

Submission:

Institute for Clinical Genetics, University Hospital TU Dresden, University Hospital TU Dresden
Classification: Uncertain significance. Last evaluated: 2023-07-05. Review status: criteria provided, single submitter. Criteria: ACMG Guidelines, 2015. Collection method: clinical testing. Allele origin: germline.
Comment: PM2_SUP